The following is an entry in ClinVar:

ClinVar aggregate classification (germline): Uncertain significance (1 of 4 stars; one submission).

Conditions:
Intellectual developmental disorder, autosomal dominant 71, with behavioral abnormalities (MRD71). Identifiers: MedGen C5830437, MONDO:0957228, OMIM 620330.

Submission:

OLLIN Analises Genomicas, OLLIN
Classification: Uncertain significance for Intellectual developmental disorder, autosomal dominant 71, with behavioral abnormalities. Last evaluated: 2026-08-06. Review status: criteria provided, single submitter. Criteria: ACMG Guidelines 2015 PMID 25741868. Collection method: clinical testing. Allele origin: germline.
Comment: This frameshift variant, located in exon 10 (of 10), is absent from gnomAD and ClinVar and has not been identified in the literature. This variant causes a frameshift and introduces a premature stop codon, which is predicted to result in either a truncated protein or degradation of the mRNA via nonsense-mediated decay (NMD). According to the currently available evidence, this variant has been classified as uncertain significance (PVS1_S, PM2_P).

NM_022841.7(RFX7):c.2753_2756dup (p.Thr920fs)

Gene: RFX7 (regulatory factor X7; minus strand). Cytogenetic location: 15q21.3.
Variant type: Microsatellite.
Coding change: c.2753_2756dup on transcript NM_022841.7 (MANE Select); coding-DNA positions 2753 to 2756, 4 bases duplicated (CAGT; older notation c.2753_2756dupCAGT).
Protein change: p.Thr920fs; shifts the reading frame from threonine 920.
Molecular consequence: frameshift variant.
Genome position (GRCh38, 1-based): chr15:56,094,972-56,094,975, ACTG duplicated on the plus strand (CAGT on the coding strand, the reverse complement: RFX7 is on the minus strand); duplicating any 4 consecutive bases within chr15:56,094,972-56,094,982 gives the same sequence; the c. name uses the placement nearest the transcript's 3' end. VCF-style (leftmost placement, unchanged base first): chr15-56094971-T-TACTG. GRCh37 (hg19) VCF-style: chr15-56387169-T-TACTG.
Other names: c.2462_2465dup, p.Thr823fs (NM_001368073.2, NM_001368074.1, NM_001370554.1); c.2753_2756dup, p.Thr920fs (NM_001370561.1); short protein forms T823fs, T920fs.
Identifiers: ClinVar variation 5002998 (VCV005002998.1).